The following is an entry in ClinVar:

ClinVar aggregate classification (germline): Uncertain significance. Review status: criteria provided, multiple submitters, no conflicts (2 of 4 stars). 2 submissions from 2 submitters: Uncertain significance (2). Last evaluated 2021-02-23.

Conditions:
Very long chain acyl-CoA dehydrogenase deficiency (ACADVLD). Also called: VLCAD Deficiency; Very Long-Chain Acyl-Coenzyme A Dehydrogenase Deficiency. Identifiers: Orphanet 26793, MedGen C3887523, MONDO:0008723, OMIM 201475.

Submissions (2):

Labcorp Genetics (formerly Invitae), Labcorp
Classification: Uncertain significance for Very long chain acyl-CoA dehydrogenase deficiency. Last evaluated: 2021-02-23. Review status: criteria provided, single submitter. Criteria: Invitae Variant Classification Sherloc (09022015). Collection method: clinical testing. Allele origin: germline.
Comment: In summary, the available evidence is currently insufficient to determine the role of this variant in disease. Therefore, it has been classified as a Variant of Uncertain Significance. This sequence change replaces leucine with phenylalanine at codon 27 of the ACADVL protein (p.Leu27Phe). The leucine residue is moderately conserved and there is a small physicochemical difference between leucine and phenylalanine. This variant is not present in population databases (ExAC no frequency). This variant has not been reported in the literature in individuals with ACADVL-related conditions. Algorithms developed to predict the effect of missense changes on protein structure and function output the following: SIFT: "Tolerated"; PolyPhen-2: "Benign"; Align-GVGD: "Class C0". The phenylalanine amino acid residue is found in multiple mammalian species, suggesting that this missense change does not adversely affect protein function. These predictions have not been confirmed by published functional studies and their clinical significance is uncertain.

GeneDx
Classification: Uncertain significance. Last evaluated: 2019-01-29. Review status: criteria provided, single submitter. Criteria: GeneDx Variant Classification Process June 2021. Collection method: clinical testing. Allele origin: germline. Affected: yes.
Comment: Has not been previously published as pathogenic or benign to our knowledge; Not observed in large population cohorts (Lek et al., 2016); In silico analysis, which includes protein predictors and evolutionary conservation, supports that this variant does not alter protein structure/function; The majority of missense variants in this gene are considered pathogenic (Stenson et al., 2014)

NM_000018.4(ACADVL):c.79C>T (p.Leu27Phe)

Genes: ACADVL (acyl-CoA dehydrogenase very long chain; plus strand), LOC130060113 (ATAC-STARR-seq lymphoblastoid silent region 8088; plus strand). Cytogenetic location: 17p13.1.
Variant type: single nucleotide variant.
Coding change: c.79C>T on transcript NM_000018.4 (MANE Select); coding-DNA position 79, C replaced by T.
Protein change: p.Leu27Phe; replaces leucine 27 with phenylalanine.
Molecular consequence: missense variant. On other transcripts: 5 prime UTR variant (1).
Genome position (GRCh38, 1-based): chr17:7,220,138, C>T. VCF-style: chr17-7220138-C-T. GRCh37 (hg19) VCF-style: chr17-7123457-C-T.
Other names: c.79C>T, p.Leu27Phe (NM_001033859.3); c.148C>T, p.Leu50Phe (NM_001270447.2); c.-150C>T (NM_001270448.2); short protein forms L27F, L50F.
Identifiers: ClinVar variation 655628 (VCV000655628.10), dbSNP rs1597516267, ClinGen allele CA397722050.
Genomic context (GRCh38, chr17:7,220,138, plus strand): 5'-CGGCCCTGGGCACCGGGCCGGCACTGAACCCCCACTCCCCACAGCTCGCGGCTCACGGCG[C>T]TCCTGGGGCAGCCCCGGCCCGGCCCTGCCCGGCGGCCCTATGCCGGGGGTGCCGCTCAGG-3'
Protein context (NP_000009.1, residues 17-37): LGGGSSRLTA[Leu27Phe]LGQPRPGPAR